The following is an entry in ClinVar:

ClinVar aggregate classification (germline): Uncertain significance. Review status: criteria provided, multiple submitters, no conflicts (2 of 4 stars). 3 submissions from 3 submitters: Uncertain significance (3). Last evaluated 2026-04-01.

Conditions:
Ullrich congenital muscular dystrophy 2 (UCMD2). Identifiers: Orphanet 75840, MedGen C4225314, MONDO:0014654, OMIM 616470.
Bethlem myopathy 2 (BTHLM2). Identifiers: Orphanet 536516, Orphanet 610, MedGen C4225313, MONDO:0034022, OMIM 616471.

Allele frequency attached by ClinVar (database versions not stated): TOPMed below 0.00001; ExAC 0.00001.
gnomAD v4.1: 7 of 1,613,044 alleles (0.00043%); highest among the groups gnomAD compares: Non-Finnish European, 0.00059%; no homozygotes.

Submissions (3):

CeGaT Center for Human Genetics Tuebingen
Classification: Uncertain significance. Last evaluated: 2026-04-01. Review status: criteria provided, single submitter. Criteria: CeGaT Center For Human Genetics Tuebingen Variant Classification Criteria Version 2. Collection method: clinical testing. Allele origin: germline. Affected: yes. Observed: 1 variant allele.
Comment: COL12A1: PM2, BP4

GeneDx
Classification: Uncertain significance. Last evaluated: 2026-02-25. Review status: criteria provided, single submitter. Criteria: GeneDx Variant Classification Process June 2021. Collection method: clinical testing. Allele origin: germline.
Comment: Not observed at significant frequency in large population cohorts (gnomAD); In silico analysis suggests that this missense variant does not alter protein structure/function; Has not been previously published as pathogenic or benign to our knowledge

Labcorp Genetics (formerly Invitae), Labcorp
Classification: Uncertain significance for Bethlem myopathy 2; Ullrich congenital muscular dystrophy 2. Last evaluated: 2025-10-06. Review status: criteria provided, single submitter. Criteria: Invitae Variant Classification Sherloc (09022015). Collection method: clinical testing. Allele origin: germline.
Comment: This sequence change replaces alanine, which is neutral and non-polar, with serine, which is neutral and polar, at codon 235 of the COL12A1 protein (p.Ala235Ser). This variant is present in population databases (rs778102460, gnomAD 0.0009%). This variant has not been reported in the literature in individuals affected with COL12A1-related conditions. ClinVar contains an entry for this variant (Variation ID: 1988502). Invitae Evidence Modeling of protein sequence and biophysical properties (such as structural, functional, and spatial information, amino acid conservation, physicochemical variation, residue mobility, and thermodynamic stability) indicates that this missense variant is not expected to disrupt COL12A1 protein function with a negative predictive value of 80%. In summary, the available evidence is currently insufficient to determine the role of this variant in disease. Therefore, it has been classified as a Variant of Uncertain Significance.

NM_004370.6(COL12A1):c.703G>T (p.Ala235Ser)

Gene: COL12A1 (collagen type XII alpha 1 chain; minus strand). Cytogenetic location: 6q13.
Variant type: single nucleotide variant.
Coding change: c.703G>T on transcript NM_004370.6 (MANE Select); coding-DNA position 703, G replaced by T.
Protein change: p.Ala235Ser; replaces alanine 235 with serine.
Molecular consequence: missense variant. On other transcripts: intron variant (1).
Genome position (GRCh38, 1-based): chr6:75,189,337, C>A on the plus strand (G>T on the coding strand, the complement: COL12A1 is on the minus strand). VCF-style: chr6-75189337-C-A. GRCh37 (hg19) VCF-style: chr6-75899053-C-A.
Other names: c.73+13383G>T (NM_080645.3); c.703G>T (NM_004370.5); short protein forms A235S.
Identifiers: ClinVar variation 1988502 (VCV001988502.7), dbSNP rs778102460, ClinGen allele CA3894366.